The following is an entry in ClinVar:

ClinVar aggregate classification (germline): Conflicting classifications of pathogenicity. Review status: criteria provided, conflicting classifications (1 of 4 stars). 2 submissions from 2 submitters: Pathogenic (1); Uncertain significance (1). Last evaluated 2022-10-17.

Conditions:
Hereditary spastic paraplegia 11. Also called: SPASTIC PARAPLEGIA, AUTOSOMAL RECESSIVE, COMPLICATED, WITH THIN CORPUS CALLOSUM; SPASTIC PARAPLEGIA, AUTOSOMAL RECESSIVE, WITH MENTAL IMPAIRMENT AND THIN CORPUS CALLOSUM; Spastic Paraplegia 11; Spastic paraplegia, mental retardation and thin corpus callosum; Nakamura Osame syndrome; Autosomal recessive hereditary spastic paraplegia, mental impairment, and thin corpus callosum. Identifiers: Orphanet 2822, MedGen C1858479, MONDO:0011445, OMIM 604360.

Allele frequency attached by ClinVar (database versions not stated): ExAC 0.00001.
gnomAD v4.1: 1 of 1,614,138 alleles (0.000062%); highest among the groups gnomAD compares: South Asian, 0.0011%; no homozygotes.

Submissions (3):

Athena Diagnostics
Classification: Uncertain significance. Last evaluated: 2022-10-17. Review status: criteria provided, single submitter. Criteria: Athena Diagnostics Criteria. Collection method: clinical testing. Allele origin: unknown.
Comment: Available data are insufficient to determine the clinical significance of the variant at this time. The frequency of this variant in the general population is uninformative in assessment of its pathogenicity. Computational tools yielded predictions that this variant may interfere with normal RNA splicing.

Paris Brain Institute, Inserm - ICM
Classification: Pathogenic for Hereditary spastic paraplegia 11. Review status: criteria provided, single submitter. Criteria: ACMG Guidelines, 2015. Collection method: clinical testing. Allele origin: unknown. Affected: yes. Observed: 1 variant allele.

Dr. Peter K. Rogan Lab, Western University
No classification provided (evidence only). Condition: Gastric cancer. Review status: no classification provided. Collection method: in vitro. Allele origin: not applicable. Functional consequence: skipped exon, retained intron. Not counted in ClinVar's aggregate classification.

NM_025137.4(SPG11):c.6343+5G>T

Gene: SPG11 (SPG11 vesicle trafficking associated, spatacsin; minus strand). Cytogenetic location: 15q21.1.
Variant type: single nucleotide variant.
Coding change: c.6343+5G>T on transcript NM_025137.4 (MANE Select); 5 bases into the intron after coding-DNA position 6343, G replaced by T.
Molecular consequence: intron variant.
Genome position (GRCh38, 1-based): chr15:44,572,678, C>A on the plus strand (G>T on the coding strand, the complement: SPG11 is on the minus strand). VCF-style: chr15-44572678-C-A. GRCh37 (hg19) VCF-style: chr15-44864876-C-A.
Other names: NC_000015.9:g.44864876C>A; c.6004+5G>T (NM_001160227.2); c.6343+5G>T (NM_025137.3).
Identifiers: ClinVar variation 989217 (VCV000989217.3), dbSNP rs756302161, ClinGen allele CA7534175.